The following is an entry in ClinVar:

NM_183065.4(TMEM107):c.422G>C (p.Ter141Ser)

Genes: TMEM107 (transmembrane protein 107; minus strand), LOC105371520 (uncharacterized LOC105371520; plus strand). Cytogenetic location: 17p13.1.
Variant type: single nucleotide variant.
Coding change: c.422G>C on transcript NM_183065.4 (MANE Select); coding-DNA position 422, G replaced by C.
Protein change: p.Ter141Ser.
Molecular consequence: stop lost. On other transcripts: non-coding transcript variant (1).
Genome position (GRCh38, 1-based): chr17:8,174,204, C>G on the plus strand (G>C on the coding strand, the complement: TMEM107 is on the minus strand). VCF-style: chr17-8174204-C-G. GRCh37 (hg19) VCF-style: chr17-8077522-C-G.
Other names: c.419G>C, p.Ter140Ser (NM_001351278.2); c.401G>C, p.Ter134Ser (NM_001351279.2); c.224G>C, p.Ter75Ser (NM_001351280.2); c.440G>C, p.Ter147Ser (NM_032354.5).
Identifiers: ClinVar variation 1510331 (VCV001510331.6), dbSNP rs1983937592, ClinGen allele CA397969641.

ClinVar aggregate classification (germline): Uncertain significance (1 of 4 stars; one submission).

Submission:

Labcorp Genetics (formerly Invitae), Labcorp
Classification: Uncertain significance. Last evaluated: 2022-07-12. Review status: criteria provided, single submitter. Criteria: Invitae Variant Classification Sherloc (09022015). Collection method: clinical testing. Allele origin: germline.
Comment: In summary, the available evidence is currently insufficient to determine the role of this variant in disease. Therefore, it has been classified as a Variant of Uncertain Significance. Experimental studies and prediction algorithms are not available or were not evaluated, and the functional significance of this variant is currently unknown. ClinVar contains an entry for this variant (Variation ID: 1510331). This variant has not been reported in the literature in individuals affected with TMEM107-related conditions. This variant is not present in population databases (gnomAD no frequency). This sequence change disrupts the translational stop signal of the TMEM107 mRNA. It is expected to extend the length of the TMEM107 protein by 4 additional amino acid residues.